The following is an entry in ClinVar:

NM_001042492.3(NF1):c.4318A>G (p.Lys1440Glu)

Gene: NF1 (neurofibromin 1; plus strand). Cytogenetic location: 17q11.2.
Variant type: single nucleotide variant.
Coding change: c.4318A>G on transcript NM_001042492.3 (MANE Select); coding-DNA position 4318, A replaced by G.
Protein change: p.Lys1440Glu; replaces lysine 1440 with glutamic acid.
Molecular consequence: missense variant.
Genome position (GRCh38, 1-based): chr17:31,258,488, A>G. VCF-style: chr17-31258488-A-G. GRCh37 (hg19) VCF-style: chr17-29585506-A-G.
Other names: c.4255A>G, p.Lys1419Glu (NM_000267.4); short protein forms K1419E, K1440E.
Identifiers: ClinVar variation 237561 (VCV000237561.3), dbSNP rs199474790, ClinGen allele CA10583501.
Genomic context (GRCh38, chr17:31,258,488, plus strand): 5'-TCACCGTATGAAGCAGGGATTTTAGATAAAAAGCCACCACCTAGAATCGAAAGGGGCTTG[A>G]AGTTAATGTCAAAGGTGAATTATTTTGATAATCTAGCTATCTTAAATTCCCCTTCCAACT-3'
Protein context (NP_001035957.1, residues 1430-1450): KPPPRIERGL[Lys1440Glu]LMSKILQSIA

ClinVar aggregate classification (germline): Pathogenic (1 of 4 stars; one submission).

Conditions:
Neurofibromatosis, type 1 (NF1). Also called: VON RECKLINGHAUSEN DISEASE; NEUROFIBROMATOSIS, TYPE I, SOMATIC; Peripheral type neurofibromatosis; Neurofibromatosis, type I. Identifiers: Orphanet 636, MedGen C0027831, MONDO:0018975, OMIM 162200. Disease mechanism: loss of function.

Submission:

Labcorp Genetics (formerly Invitae), Labcorp
Classification: Pathogenic for Neurofibromatosis, type 1. Last evaluated: 2025-11-27. Review status: criteria provided, single submitter. Criteria: Invitae Variant Classification Sherloc (09022015). Collection method: clinical testing. Allele origin: germline.
Comment: This sequence change replaces lysine, which is basic and polar, with glutamic acid, which is acidic and polar, at codon 1419 of the NF1 protein (p.Lys1419Glu). This variant is not present in population databases (gnomAD no frequency). This missense change has been observed in individual(s) with clinical features of neurofibromatosis, type 1 (PMID: 15060124; internal data). In at least one individual the variant was observed to be de novo. ClinVar contains an entry for this variant (Variation ID: 237561). Invitae Evidence Modeling of protein sequence and biophysical properties (such as structural, functional, and spatial information, amino acid conservation, physicochemical variation, residue mobility, and thermodynamic stability) indicates that this missense variant is expected to disrupt NF1 protein function with a positive predictive value of 95%. For these reasons, this variant has been classified as Pathogenic.

Literature cited by the submitters: PubMed 15060124.